The following is an entry in ClinVar:

ClinVar aggregate classification (germline): Uncertain significance. Review status: criteria provided, multiple submitters, no conflicts (2 of 4 stars). 2 submissions from 2 submitters: Uncertain significance (2). Last evaluated 2022-07-06.

Conditions:
RYR1-related disorder. Also called: RYR1-related condition; RYR1-related disorders. Identifiers: MedGen CN239331.

Allele frequency attached by ClinVar (database versions not stated): gnomAD exomes 0.00001 and 0.00002; ExAC 0.00003.
gnomAD v4.1: 6 of 1,613,920 alleles (0.00037%); highest among the groups gnomAD compares: South Asian, 0.0022%; no homozygotes.

Submissions (2):

Labcorp Genetics (formerly Invitae), Labcorp
Classification: Uncertain significance for RYR1-related disorder. Last evaluated: 2022-07-06. Review status: criteria provided, single submitter. Criteria: Invitae Variant Classification Sherloc (09022015). Collection method: clinical testing. Allele origin: germline.
Comment: ClinVar contains an entry for this variant (Variation ID: 1386994). This sequence change replaces glycine, which is neutral and non-polar, with serine, which is neutral and polar, at codon 1277 of the RYR1 protein (p.Gly1277Ser). This variant is present in population databases (rs755011605, gnomAD 0.006%). This variant has not been reported in the literature in individuals affected with RYR1-related conditions. In summary, the available evidence is currently insufficient to determine the role of this variant in disease. Therefore, it has been classified as a Variant of Uncertain Significance. Advanced modeling of protein sequence and biophysical properties (such as structural, functional, and spatial information, amino acid conservation, physicochemical variation, residue mobility, and thermodynamic stability) performed at Invitae indicates that this missense variant is not expected to disrupt RYR1 protein function.

Revvity Omics, Revvity
Classification: Uncertain significance. Last evaluated: 2020-08-04. Review status: criteria provided, single submitter. Criteria: ACMG Guidelines, 2015. Collection method: clinical testing. Allele origin: germline.

NM_000540.3(RYR1):c.3829G>A (p.Gly1277Ser)

Gene: RYR1 (ryanodine receptor 1; plus strand). Cytogenetic location: 19q13.2.
Variant type: single nucleotide variant.
Coding change: c.3829G>A on transcript NM_000540.3 (MANE Select); coding-DNA position 3829, G replaced by A.
Protein change: p.Gly1277Ser; replaces glycine 1277 with serine.
Molecular consequence: missense variant.
Genome position (GRCh38, 1-based): chr19:38,473,440, G>A. VCF-style: chr19-38473440-G-A. GRCh37 (hg19) VCF-style: chr19-38964080-G-A.
Other names: c.3829G>A (NM_000540.2); c.3829G>A, p.Gly1277Ser (NM_001042723.2); short protein forms G1277S.
Identifiers: ClinVar variation 1386994 (VCV001386994.13), dbSNP rs755011605, ClinGen allele CA065253.